The following is an entry in ClinVar:

NM_015466.4(PTPN23):c.2856GCCCCA[1] (p.Gln954_Pro957del)

Gene: PTPN23 (protein tyrosine phosphatase non-receptor type 23; plus strand). Cytogenetic location: 3p21.31.
Variant type: Microsatellite.
Coding change: c.2856GCCCCA[1] on transcript NM_015466.4 (MANE Select); one copy of the 6-base unit GCCCCA starting at c.2856; the reference has three copies in a row; two copies, 12 bases deleted.
Protein change: p.Gln954_Pro957del.
Molecular consequence: inframe deletion.
Genome position (GRCh38, 1-based): chr3:47,410,660-47,410,671, GCCCCAGCCCCA deleted; deleting any 12 consecutive bases within chr3:47,410,654-47,410,671 gives the same sequence; the position shown is the placement nearest the transcript's 3' end. VCF-style (leftmost placement, unchanged base first): chr3-47410653-GGCCCCAGCCCCA-G. GRCh37 (hg19) VCF-style: chr3-47452143-GGCCCCAGCCCCA-G.
Other names: c.2478GCCCCA[1], p.Gln828_Pro831del (NM_001304482.2).
Identifiers: ClinVar variation 2178575 (VCV002178575.3), dbSNP rs552397269, ClinGen allele CA543043155.

ClinVar aggregate classification (germline): Uncertain significance (1 of 4 stars; one submission).

Submission:

Labcorp Genetics (formerly Invitae), Labcorp
Classification: Uncertain significance. Last evaluated: 2024-02-17. Review status: criteria provided, single submitter. Criteria: Invitae Variant Classification Sherloc (09022015). Collection method: clinical testing. Allele origin: germline.
Comment: This variant, c.2862_2873del, results in the deletion of 4 amino acid(s) of the PTPN23 protein (p.Gln954_Pro957del), but otherwise preserves the integrity of the reading frame. This variant is present in population databases (no rsID available, gnomAD 0.002%). This variant has not been reported in the literature in individuals affected with PTPN23-related conditions. Experimental studies and prediction algorithms are not available or were not evaluated, and the functional significance of this variant is currently unknown. In summary, the available evidence is currently insufficient to determine the role of this variant in disease. Therefore, it has been classified as a Variant of Uncertain Significance.